The following is an entry in ClinVar:

ClinVar aggregate classification (germline): Conflicting classifications of pathogenicity. Review status: criteria provided, conflicting classifications (1 of 4 stars). 2 submissions from 2 submitters: Likely pathogenic (1); Uncertain significance (1). Last evaluated 2026-03-23.

Conditions:
Spondyloepimetaphyseal dysplasia, PAPSS2 type. Also called: SEMD, PAKISTANI TYPE; BRACHYOLMIA TYPE 4 WITH MILD EPIPHYSEAL AND METAPHYSEAL CHANGES; SPONDYLODYSPLASIA AND PREMATURE PUBARCHE. Identifiers: Orphanet 93282, MedGen C2748516, MONDO:0019666, OMIM 612847.
Fetal anomalies with a likely genetic cause.

Submissions (2):

Genetics Laboratory, Great Ormond Street Hospital NHS Foundation Trust, North Thames Genomic Laboratory Hub
Classification: Uncertain significance for Fetal anomalies with a likely genetic cause. Last evaluated: 2026-03-23. Review status: criteria provided, single submitter. Criteria: ACGS Best Practice Guidelines for Variant Classification in Rare Disease 2024 v1.2. Collection method: clinical testing. Allele origin: germline. Affected: yes.
Comment: PVS1_very-strong

Genomic Medicine Center of Excellence, King Faisal Specialist Hospital and Research Centre
Classification: Likely pathogenic for Spondyloepimetaphyseal dysplasia, PAPSS2 type. Last evaluated: 2025-09-10. Review status: criteria provided, single submitter. Criteria: ACMG Guidelines, 2015. Collection method: clinical testing. Allele origin: germline.

NM_001015880.2(PAPSS2):c.381+2T>G

Gene: PAPSS2 (3'-phosphoadenosine 5'-phosphosulfate synthase 2; plus strand). Cytogenetic location: 10q23.31.
Variant type: single nucleotide variant.
Coding change: c.381+2T>G on transcript NM_001015880.2 (MANE Select); the canonical splice donor site of the intron after coding-DNA position 381, T replaced by G.
Molecular consequence: splice donor variant.
Genome position (GRCh38, 1-based): chr10:87,713,312, T>G. VCF-style: chr10-87713312-T-G. GRCh37 (hg19) VCF-style: chr10-89473069-T-G.
Other names: c.381+2T>G (NM_004670.4).
Identifiers: ClinVar variation 4278337 (VCV004278337.2).